The following is an entry in ClinVar:

ClinVar aggregate classification (germline): Likely benign. Review status: criteria provided, multiple submitters, no conflicts (2 of 4 stars). 2 submissions from 2 submitters: Likely benign (2). Last evaluated 2023-05-16.

Conditions:
Hypercholesterolemia, autosomal dominant, 3 (FHCL3). Also called: Familial hypercholesterolemia 3; Familial Hypercholesterolemia, Autosomal Dominant, 3; PCSK9-Related Familial Hypercholesterolemia, Autosomal Dominant. Identifiers: MedGen C1863551, MONDO:0011369, OMIM 603776.

Allele frequency attached by ClinVar (database versions not stated): gnomAD exomes below 0.00001; TOPMed 0.00001.
gnomAD v4.1: 5 of 1,580,418 alleles (0.00032%); highest among the groups gnomAD compares: Non-Finnish European, 0.00043%; no homozygotes.

Submissions (2):

All of Us Research Program, National Institutes of Health
Classification: Likely benign for Hypercholesterolemia, autosomal dominant, 3. Last evaluated: 2023-05-16. Review status: criteria provided, single submitter. Criteria: ACMG Guidelines, 2015. Collection method: clinical testing. Allele origin: germline. Inheritance: Autosomal dominant inheritance. Observed: 1 variant allele, 1 heterozygote.
Comment: This study involves interpretation of variants in research participants for the purpose of population health screening. Participant phenotype was not available at the time of variant classification. Additional details can be found in publication PMID: 35346344, PMCID: PMC8962531

Labcorp Genetics (formerly Invitae), Labcorp
Classification: Likely benign for Hypercholesterolemia, autosomal dominant, 3. Last evaluated: 2022-11-30. Review status: criteria provided, single submitter. Criteria: Invitae Variant Classification Sherloc (09022015). Collection method: clinical testing. Allele origin: germline.

NM_174936.4(PCSK9):c.135G>A (p.Leu45=)

Gene: PCSK9 (proprotein convertase subtilisin/kexin type 9; plus strand). Cytogenetic location: 1p32.3.
Variant type: single nucleotide variant.
Coding change: c.135G>A on transcript NM_174936.4 (MANE Select); coding-DNA position 135, G replaced by A.
Protein change: p.Leu45=; no amino-acid change (leucine 45 retained).
Molecular consequence: synonymous variant. On other transcripts: 5 prime UTR variant (1), non-coding transcript variant (8).
Genome position (GRCh38, 1-based): chr1:55,039,972, G>A. VCF-style: chr1-55039972-G-A. GRCh37 (hg19) VCF-style: chr1-55505645-G-A.
Other names: c.135G>A, p.Leu45= (NM_001407240.1, NM_001407241.1, NM_001407242.1 and 4 more transcripts); c.-600G>A (NM_001407246.1).
Identifiers: ClinVar variation 2029860 (VCV002029860.5), dbSNP rs1190616189, ClinGen allele CA417957390.